The following is an entry in ClinVar:

NM_182476.3(COQ6):c.164-11_164-10delinsTA

Gene: COQ6 (coenzyme Q6, monooxygenase; plus strand). Cytogenetic location: 14q24.3.
Variant type: Indel.
Coding change: c.164-11_164-10delinsTA on transcript NM_182476.3 (MANE Select); 11 bases into the intron before coding-DNA position 164 through 10 bases into the intron before coding-DNA position 164, CT replaced by TA.
Molecular consequence: intron variant.
Genome position (GRCh38, 1-based): chr14:73,953,424-73,953,425, CT replaced by TA. VCF-style: chr14-73953424-CT-TA. GRCh37 (hg19) VCF-style: chr14-74420127-CT-TA.
Other names: c.89-11_89-10delinsTA (NM_182480.3).
Identifiers: ClinVar variation 1967184 (VCV001967184.5), dbSNP rs2502984473, ClinGen allele CA2580088697.
Genomic context (GRCh38, chr14:73,953,424, plus strand): 5'-GTTGTTTCTCTTGGTAATGGGAAAGGAAATTCTTGATTTTCCTAAGATGATATAAATTTT[CT>TA]TTTTTTAAGGATATGATATTCACTTTCATGACAAGAAAATCCTGTTGCTCGAAGCAGGTC-3'

ClinVar aggregate classification (germline): Uncertain significance (1 of 4 stars; one submission).

Submission:

Labcorp Genetics (formerly Invitae), Labcorp
Classification: Uncertain significance. Last evaluated: 2022-08-22. Review status: criteria provided, single submitter. Criteria: Invitae Variant Classification Sherloc (09022015). Collection method: clinical testing. Allele origin: germline.
Comment: In summary, the available evidence is currently insufficient to determine the role of this variant in disease. Therefore, it has been classified as a Variant of Uncertain Significance. Experimental studies and prediction algorithms are not available or were not evaluated, and the effect of this variant on mRNA splicing is currently unknown. This variant has not been reported in the literature in individuals affected with COQ6-related conditions. Information on the frequency of this variant in the gnomAD database is not available, as this variant may be reported differently in the database. This sequence change falls in intron 1 of the COQ6 gene. It does not directly change the encoded amino acid sequence of the COQ6 protein.